The following is an entry in ClinVar:

NM_024740.2(ALG9):c.945T>C (p.Asn315=)

Gene: ALG9 (ALG9 alpha-1,2-mannosyltransferase; minus strand). Cytogenetic location: 11q23.1.
Variant type: single nucleotide variant.
Coding change: c.945T>C on transcript NM_024740.2 (MANE Select); coding-DNA position 945, T replaced by C.
Protein change: p.Asn315=; no amino-acid change (asparagine 315 retained).
Molecular consequence: synonymous variant. On other transcripts: non-coding transcript variant (1), intron variant (2).
Genome position (GRCh38, 1-based): chr11:111,844,674, A>G on the plus strand (T>C on the coding strand, the complement: ALG9 is on the minus strand). VCF-style: chr11-111844674-A-G. GRCh37 (hg19) VCF-style: chr11-111715397-A-G.
Other names: c.432T>C (NM_001077691.1); c.945T>C, p.Asn315= (NM_001077690.1, NM_001352417.1); c.432T>C, p.Asn144= (NM_001077691.2, NM_001077692.2, NM_001352409.1 and 10 more transcripts); c.357T>C, p.Asn119= (NM_001352422.2); c.896-3865T>C (NM_001352418.1); c.383-3865T>C (NM_001352423.2).
Identifiers: ClinVar variation 390682 (VCV000390682.39), dbSNP rs185555263, ClinGen allele CA6274518.

ClinVar aggregate classification (germline): Likely benign. Review status: criteria provided, multiple submitters, no conflicts (2 of 4 stars). 6 submissions from 6 submitters: Likely benign (6). Last evaluated 2025-12-30.

Conditions:
ALG9 congenital disorder of glycosylation (CDG1L). Also called: ALG9-CDG; CDG Il; CONGENITAL DISORDER OF GLYCOSYLATION, TYPE Il. Identifiers: Orphanet 79328, MedGen C2931006, MONDO:0012117, OMIM 608776.
Gillessen-Kaesbach-Nishimura syndrome (GIKANIS). Identifiers: MedGen C1849762, MONDO:0009890, OMIM 263210.

Allele frequency attached by ClinVar (database versions not stated): ESP Exome Variant Server 0.00042; gnomAD exomes 0.00055 and 0.00063; ExAC 0.00060; gnomAD 0.00062 and 0.00064; TOPMed 0.00097; 1000 Genomes Project 0.00120; 1000 Genomes Project 30x 0.00156.
gnomAD v4.1: 1,023 of 1,614,082 alleles (0.063%); highest among the groups gnomAD compares: Admixed American, 0.14%; 1 homozygote.

Submissions (6):

Labcorp Genetics (formerly Invitae), Labcorp
Classification: Likely benign for ALG9 congenital disorder of glycosylation. Last evaluated: 2025-12-30. Review status: criteria provided, single submitter. Criteria: Invitae Variant Classification Sherloc (09022015). Collection method: clinical testing. Allele origin: germline.

Blueprint Genetics
Classification: Likely benign. Last evaluated: 2024-11-19. Review status: criteria provided, single submitter. Criteria: ACMG Guidelines, 2015. Collection method: clinical testing. Allele origin: germline.

CeGaT Center for Human Genetics Tuebingen
Classification: Likely benign. Last evaluated: 2022-05-01. Review status: criteria provided, single submitter. Criteria: CeGaT Center For Human Genetics Tuebingen Variant Classification Criteria Version 2. Collection method: clinical testing. Allele origin: germline. Affected: yes. Observed: 1 variant allele.
Comment: ALG9: BP4, BP7

Fulgent Genetics
Classification: Likely benign for Gillessen-Kaesbach-Nishimura syndrome; ALG9 congenital disorder of glycosylation. Last evaluated: 2021-10-19. Review status: criteria provided, single submitter. Criteria: ACMG Guidelines, 2015. Collection method: clinical testing. Allele origin: unknown.

Athena Diagnostics
Classification: Likely benign. Last evaluated: 2020-11-05. Review status: criteria provided, single submitter. Criteria: Athena Diagnostics criteria. Collection method: clinical testing. Allele origin: unknown.

GeneDx
Classification: Likely benign. Last evaluated: 2019-07-31. Review status: criteria provided, single submitter. Criteria: GeneDx Variant Classification Process June 2021. Collection method: clinical testing. Allele origin: germline. Affected: yes.